The following is an entry in ClinVar:

ClinVar aggregate classification (germline): Likely pathogenic. Review status: criteria provided, multiple submitters, no conflicts (2 of 4 stars). 4 submissions from 4 submitters: Likely pathogenic (3). 1 of the submissions does not count toward it. Last evaluated 2025-07-23.

Conditions:
Hereditary acrodermatitis enteropathica (AEZ). Also called: Acrodermatitis enteropathica. Identifiers: Orphanet 37, MedGen C0221036, MONDO:0008713, OMIM 201100.

Allele frequency attached by ClinVar (database versions not stated): gnomAD 0.00002; gnomAD exomes 0.00002 and 0.00004; ExAC 0.00003; TOPMed 0.00003.
gnomAD v4.1: 52 of 1,608,690 alleles (0.0032%); highest among the groups gnomAD compares: Non-Finnish European, 0.0043%; no homozygotes.

Submissions (4):

Natera, Inc.
Classification: Likely pathogenic for Acrodermatitis enteropathica. Last evaluated: 2025-07-23. Review status: criteria provided, single submitter. Criteria: Natera Variant Classification Schema (03/2026). Collection method: clinical testing. Allele origin: germline.
Comment: The c.1120G>A variant in SLC39A4 is a missense variant predicted to cause substitution of glycine to arginine at amino acid 374. This variant is rare in the general population with a frequency below the threshold expected for the associated phenotype(s). This variant has been observed in one or more individuals affected with the associated recessive disease, as either homozygous or compound heterozygous with a second variant (PMID: 12068297, 26351177). Functional studies show that this variant may disrupt protein function (PMID: 14709598). Computational prediction algorithms indicate this variant is likely to affect gene or protein function. Given the available evidence, this variant is classified as Likely Pathogenic.

Fulgent Genetics
Classification: Likely pathogenic for Hereditary acrodermatitis enteropathica. Last evaluated: 2024-03-06. Review status: criteria provided, single submitter. Criteria: ACMG Guidelines, 2015. Collection method: clinical testing. Allele origin: germline.

Labcorp Genetics (formerly Invitae), Labcorp
Classification: Likely pathogenic. Last evaluated: 2024-01-25. Review status: criteria provided, single submitter. Criteria: Invitae Variant Classification Sherloc (09022015). Collection method: clinical testing. Allele origin: germline.
Comment: This sequence change replaces glycine, which is neutral and non-polar, with arginine, which is basic and polar, at codon 374 of the SLC39A4 protein (p.Gly374Arg). This variant is present in population databases (rs121434289, gnomAD 0.005%). This missense change has been observed in individual(s) with acrodermatitis enteropathica (PMID: 12068297, 26351177). In at least one individual the data is consistent with being in trans (on the opposite chromosome) from a pathogenic variant. ClinVar contains an entry for this variant (Variation ID: 3539). An algorithm developed to predict the effect of missense changes on protein structure and function (PolyPhen-2) suggests that this variant is likely to be disruptive. Experimental studies have shown that this missense change affects SLC39A4 function (PMID: 14709598). In summary, the currently available evidence indicates that the variant is pathogenic, but additional data are needed to prove that conclusively. Therefore, this variant has been classified as Likely Pathogenic.

OMIM
Classification: Pathogenic for ACRODERMATITIS ENTEROPATHICA. Last evaluated: 2002-07-01. Review status: no assertion criteria provided. Collection method: literature only. Allele origin: germline. Not counted in ClinVar's aggregate classification.

Literature cited by the submitters: PubMed 12068297 (cited by 3 submitters); PubMed 26351177 (cited by Natera, Inc. and Labcorp Genetics (formerly Invitae), Labcorp); PubMed 14709598 (cited by Natera, Inc. and Labcorp Genetics (formerly Invitae), Labcorp).

NM_130849.4(SLC39A4):c.1120G>A (p.Gly374Arg)

Gene: SLC39A4 (solute carrier family 39 member 4; minus strand). Cytogenetic location: 8q24.3.
Variant type: single nucleotide variant.
Coding change: c.1120G>A on transcript NM_130849.4 (MANE Select); coding-DNA position 1120, G replaced by A.
Protein change: p.Gly374Arg; replaces glycine 374 with arginine.
Molecular consequence: missense variant.
Genome position (GRCh38, 1-based): chr8:144,414,291, C>T on the plus strand (G>A on the coding strand, the complement: SLC39A4 is on the minus strand). VCF-style: chr8-144414291-C-T. GRCh37 (hg19) VCF-style: chr8-145639675-C-T.
Other names: c.1120G>A (NM_130849.3); c.1045G>A, p.Gly349Arg (NM_017767.3); short protein forms G374R, G349R.
Identifiers: ClinVar variation 3539 (VCV000003539.11), dbSNP rs121434289, ClinGen allele CA116333.